The following is an entry in ClinVar:

NM_000059.4(BRCA2):c.6613G>A (p.Val2205Met)

Gene: BRCA2 (BRCA2 DNA repair associated; plus strand). Cytogenetic location: 13q13.1.
Variant type: single nucleotide variant.
Coding change: c.6613G>A on transcript NM_000059.4 (MANE Select); coding-DNA position 6613, G replaced by A.
Protein change: p.Val2205Met; replaces valine 2205 with methionine.
Molecular consequence: missense variant.
Genome position (GRCh38, 1-based): chr13:32,340,968, G>A. VCF-style: chr13-32340968-G-A. GRCh37 (hg19) VCF-style: chr13-32915105-G-A.
Other names: p.V2205M:GTG>ATG; 6841G>A; short protein forms V2205M.
Identifiers: ClinVar variation 52134 (VCV000052134.37), dbSNP rs80358889, ClinGen allele CA024211.
Genomic context (GRCh38, chr13:32,340,968, plus strand): 5'-GCTTCACCTAAAAACGTAAAAATGGAAATTGGTAAAACTGAAACTTTTTCTGATGTTCCT[G>A]TGAAAACAAATATAGAAGTTTGTTCTACTTACTCCAAAGATTCAGAAAACTACTTTGAAA-3'
Protein context (NP_000050.3, residues 2195-2215): GKTETFSDVP[Val2205Met]KTNIEVCSTY

ClinVar aggregate classification (germline): Conflicting classifications of pathogenicity. Review status: criteria provided, conflicting classifications (1 of 4 stars). 17 submissions from 17 submitters: Uncertain significance (6); Benign (1); Likely benign (6). 4 of the submissions do not count toward it. Last evaluated 2025-11-03.

Conditions:
BRCA2-related cancer predisposition. Identifiers: MedGen CN377758, MONDO:0700269.
Breast and/or ovarian cancer. Identifiers: MedGen CN221562.
Hereditary cancer-predisposing syndrome. Also called: Tumor predisposition; Neoplastic Syndromes, Hereditary; Hereditary neoplastic syndrome; Hereditary Cancer Syndrome. Identifiers: Orphanet 140162, MedGen C0027672, MeSH D009386, MONDO:0015356.
Hereditary breast ovarian cancer syndrome. Also called: Hereditary breast and ovarian cancer; BRCA1- and BRCA2-Associated Hereditary Breast and Ovarian Cancer; Hereditary breast and/or ovarian cancer syndrome; Hereditary breast and ovarian cancer syndrome; Breast and ovarian cancer; Hereditary breast and ovarian cancer syndrome (HBOC). Identifiers: Orphanet 145, MedGen C0677776, MeSH D061325, MONDO:0003582. Disease mechanism: loss of function.
Breast-ovarian cancer, familial, susceptibility to, 2 (BROVCA2). Also called: BRCA2 Hereditary Breast and Ovarian Cancer. Identifiers: Orphanet 145, MedGen C2675520, MONDO:0012933, OMIM 612555. Disease mechanism: loss of function.

Allele frequency attached by ClinVar (database versions not stated): gnomAD 0.00001; gnomAD exomes 0.00002; TOPMed 0.00002; ExAC 0.00004; ESP Exome Variant Server 0.00008.
gnomAD v4.1: 34 of 1,608,604 alleles (0.0021%); highest among the groups gnomAD compares: Non-Finnish European, 0.0025%; no homozygotes.

Submissions (17):

Labcorp Genetics (formerly Invitae), Labcorp
Classification: Likely benign for Hereditary breast ovarian cancer syndrome. Last evaluated: 2025-11-03. Review status: criteria provided, single submitter. Criteria: Invitae Variant Classification Sherloc (09022015). Collection method: clinical testing. Allele origin: germline.

Ambry Genetics
Classification: Likely benign for Hereditary cancer-predisposing syndrome. Last evaluated: 2025-07-29. Review status: criteria provided, single submitter. Criteria: Ambry Variant Classification Scheme 2023. Collection method: clinical testing. Allele origin: germline.

Mayo Clinic Laboratories, Mayo Clinic
Classification: Benign. Last evaluated: 2025-01-07. Review status: criteria provided, single submitter. Criteria: ACMG Guidelines, 2015. Collection method: clinical testing. Allele origin: germline. Observed: 1 variant allele.
Comment: BS1_supporting, BP1_strong, BP5_moderate

Quest Diagnostics Nichols Institute San Juan Capistrano
Classification: Uncertain significance. Last evaluated: 2024-11-18. Review status: criteria provided, single submitter. Criteria: Quest Diagnostics criteria. Collection method: clinical testing. Allele origin: unknown.
Comment: The BRCA2 c.6613G>A (p.Val2205Met) variant has been reported in the published literature in individuals with breast cancer (PMID: 20104584 (2010), 21520273 (2011), 29335924 (2018), 37415649 (2023)), ovarian cancer (PMID: 24504028 (2014), 26306726 (2015)), and familial breast and/or ovarian cancer (PMID: 25136594 (2014), 29310832 (2018), 31159747 (2019)). Additionally, a multifactorial likelihood analysis predicts that the variant is likely benign (PMID: 31131967 (2019)). The frequency of this variant in the general population, 0.000054 (6/111976 chromosomes (Genome Aggregation Database)), is uninformative in the assessment of its pathogenicity. Analysis of this variant using bioinformatics tools for the prediction of the effect of amino acid changes on protein structure and function yielded predictions that this variant is benign. Based on the available information, we are unable to determine the clinical significance of this variant.

Blueprint Genetics
Classification: Likely benign. Last evaluated: 2024-10-22. Review status: criteria provided, single submitter. Criteria: ACMG Guidelines, 2015. Collection method: clinical testing. Allele origin: germline.

University of Washington Department of Laboratory Medicine, University of Washington
Classification: Likely benign for Hereditary cancer-predisposing syndrome. Last evaluated: 2023-03-23. Review status: criteria provided, single submitter. Criteria: Dines et al. (Genet Med. 2020). Collection method: curation. Allele origin: germline.
Comment: Missense variant in a coldspot region where missense variants are very unlikely to be pathogenic (PMID:31911673).

BRCA2 exon 11 coldspot. Reclassification based on statistical prior probability.

Color Diagnostics, LLC DBA Color Health
Classification: Likely benign for Hereditary cancer-predisposing syndrome. Last evaluated: 2021-03-11. Review status: criteria provided, single submitter. Criteria: ACMG Guidelines, 2015. Collection method: clinical testing. Allele origin: germline.

Department of Pathology and Laboratory Medicine, Sinai Health System
Classification: Uncertain significance for BRCA2-related cancer predisposition. Last evaluated: 2020-07-15. Review status: criteria provided, single submitter. Criteria: ACMG Guidelines, 2015. Collection method: clinical testing. Allele origin: germline. Affected: no.

GeneDx
Classification: Likely benign. Last evaluated: 2020-02-14. Review status: criteria provided, single submitter. Criteria: GeneDx Variant Classification Process June 2021. Collection method: clinical testing. Allele origin: germline. Affected: yes.
Comment: In silico analysis supports that this missense variant does not alter protein structure/function; This variant is associated with the following publications: (PMID: 25136594, 20104584, 26306726, 24504028, 29335924, 29310832, 31159747, 31131967)

Baylor Genetics
Classification: Uncertain significance for Breast-ovarian cancer, familial, susceptibility to, 2. Last evaluated: 2019-10-09. Review status: criteria provided, single submitter. Criteria: ACMG Guidelines, 2015. Collection method: clinical testing. Allele origin: unknown. Affected: yes. Study: CSER-TexasKidsCanSeq.
Comment: This variant was determined to be of uncertain significance according to ACMG Guidelines, 2015 [PMID:25741868].

GeneKor MSA
Classification: Uncertain significance for Hereditary cancer-predisposing syndrome. Last evaluated: 2018-08-01. Review status: criteria provided, single submitter. Criteria: ACMG Guidelines, 2015. Collection method: clinical testing. Allele origin: germline. Affected: yes.

CHEO Genetics Diagnostic Laboratory, Children's Hospital of Eastern Ontario
Classification: Uncertain significance for Breast and/or ovarian cancer. Last evaluated: 2017-03-31. Review status: criteria provided, single submitter. Criteria: ACMG Guidelines, 2015. Collection method: clinical testing. Allele origin: germline. Study: Canadian Open Genetics Repository.

Women's Health and Genetics/Laboratory Corporation of America, LabCorp
Classification: Uncertain significance. Last evaluated: 2017-03-03. Review status: criteria provided, single submitter. Criteria: LabCorp Variant Classification Summary - May 2015. Collection method: clinical testing. Allele origin: germline.
Comment: Variant summary: The BRCA2 c.6613G>A (p.Val2205Met) variant causes a missense change involving the alteration of a non-conserved nucleotide, which 4/5 in silico tools predict a benign outcome, although these predictions have yet to be functionally assessed. The variant of interest was observed in the large, broad control population, ExAC, with an allele frequency of 5/120326 (1/24038), which does not exceed the estimated maximal expected allele frequency for a pathogenic BRCA2 variant of 1/1333. Multiple publications have cited the variant in affected individuals (BrC, OvC, HBOC), however, with limited information (ie lack of co-occurrence and cosegregation data). In addition, multiple clinical diagnostic laboratories/reputable databases classified this variant as uncertain significance. Therefore, until additional information becomes available (ie, clinical and functional studies), the variant of interest has been classified as a "Variant of Uncertain Significance (VUS)."

BRCAlab, Lund University
Classification: Uncertain significance for Breast-ovarian cancer, familial, susceptibility to, 2. Last evaluated: 2020-03-02. Review status: no assertion criteria provided. Collection method: clinical testing. Allele origin: germline. Affected: yes. Not counted in ClinVar's aggregate classification.

Counsyl
Classification: Uncertain significance for Breast-ovarian cancer, familial, susceptibility to, 2. Last evaluated: 2016-02-18. Review status: no assertion criteria provided. Collection method: clinical testing. Allele origin: unknown. Not counted in ClinVar's aggregate classification.

Sharing Clinical Reports Project (SCRP)
Classification: Uncertain significance for Breast-ovarian cancer, familial 2. Last evaluated: 2008-05-15. Review status: no assertion criteria provided. Collection method: clinical testing. Allele origin: germline. Not counted in ClinVar's aggregate classification.

Breast Cancer Information Core (BIC) (BRCA2)
Classification: Uncertain significance for Breast-ovarian cancer, familial 2. Last evaluated: 2002-05-29. Review status: no assertion criteria provided. Collection method: clinical testing. Allele origin: germline. Affected: yes. Observed: 1 variant allele. Not counted in ClinVar's aggregate classification.

Literature cited by the submitters: PubMed 20104584 (cited by 4 submitters); PubMed 25136594 (cited by 4 submitters); PubMed 31911673 (cited by Quest Diagnostics Nichols Institute San Juan Capistrano); PubMed 31159747 (cited by Quest Diagnostics Nichols Institute San Juan Capistrano); PubMed 26306726 (cited by 4 submitters); PubMed 29310832 (cited by Quest Diagnostics Nichols Institute San Juan Capistrano and Department of Pathology and Laboratory Medicine, Sinai Health System); PubMed 24504028 (cited by 4 submitters); PubMed 29335924 (cited by Quest Diagnostics Nichols Institute San Juan Capistrano and Department of Pathology and Laboratory Medicine, Sinai Health System); PubMed 31131967 (cited by Quest Diagnostics Nichols Institute San Juan Capistrano); PubMed 24817641 (cited by 3 submitters); PubMed 21520273 (cited by Quest Diagnostics Nichols Institute San Juan Capistrano and Women's Health and Genetics/Laboratory Corporation of America, LabCorp); PubMed 37415649 (cited by Quest Diagnostics Nichols Institute San Juan Capistrano).